The following is an entry in ClinVar:

ClinVar aggregate classification (germline): Uncertain significance (1 of 4 stars; one submission).

Submission:

GeneDx
Classification: Uncertain significance. Last evaluated: 2024-11-26. Review status: criteria provided, single submitter. Criteria: GeneDx Variant Classification Process June 2021. Collection method: clinical testing. Allele origin: germline. Affected: yes.
Comment: Not observed at significant frequency in large population cohorts (gnomAD); In silico analysis indicates that this missense variant does not alter protein structure/function; Has not been previously published as pathogenic or benign to our knowledge

NM_000836.4(GRIN2D):c.3841G>A (p.Ala1281Thr)

Gene: GRIN2D (glutamate ionotropic receptor NMDA type subunit 2D; plus strand). Cytogenetic location: 19q13.33.
Variant type: single nucleotide variant.
Coding change: c.3841G>A on transcript NM_000836.4 (MANE Select); coding-DNA position 3841, G replaced by A.
Protein change: p.Ala1281Thr; replaces alanine 1281 with threonine.
Molecular consequence: missense variant.
Genome position (GRCh38, 1-based): chr19:48,443,767, G>A. VCF-style: chr19-48443767-G-A. GRCh37 (hg19) VCF-style: chr19-48947024-G-A.
Other names: short protein forms A1281T.
Identifiers: ClinVar variation 3900195 (VCV003900195.1).